The following is an entry in ClinVar:

ClinVar aggregate classification (germline): Pathogenic (1 of 4 stars; one submission).

Submission:

Labcorp Genetics (formerly Invitae), Labcorp
Classification: Pathogenic. Last evaluated: 2021-09-18. Review status: criteria provided, single submitter. Criteria: Invitae Variant Classification Sherloc (09022015). Collection method: clinical testing. Allele origin: germline.
Comment: This sequence change creates a premature translational stop signal (p.Thr1408Serfs*15) in the LOXHD1 gene. It is expected to result in an absent or disrupted protein product. Loss-of-function variants in LOXHD1 are known to be pathogenic (PMID: 19732867, 21465660, 25792669). This variant is not present in population databases (ExAC no frequency). This variant has not been reported in the literature in individuals affected with LOXHD1-related conditions. For these reasons, this variant has been classified as Pathogenic.

Literature cited by the submitters: PubMed 19732867; PubMed 21465660; PubMed 25792669.

NM_001384474.1(LOXHD1):c.4222_4223insGCTTCACCGGCGCAGTCATTCTCATAATCGCCCACGGA (p.Thr1408fs)

Gene: LOXHD1 (lipoxygenase homology PLAT domains 1; minus strand). Cytogenetic location: 18q21.1.
Variant type: Insertion.
Coding change: c.4222_4223insGCTTCACCGGCGCAGTCATTCTCATAATCGCCCACGGA on transcript NM_001384474.1 (MANE Select); coding-DNA positions 4222 to 4223, GCTTCACCGGCGCAGTCATTCTCATAATCGCCCACGGA inserted.
Protein change: p.Thr1408fs; shifts the reading frame from threonine 1408.
Molecular consequence: frameshift variant.
Genome position: GRCh38: chr18:46,533,316-46,533,317. GRCh37 (hg19): chr18:44,113,279-44,113,280.
Other names: c.889_890insGCTTCACCGGCGCAGTCATTCTCATAATCGCCCACGGA, p.Thr297fs (NM_001145472.3); c.601_602insGCTTCACCGGCGCAGTCATTCTCATAATCGCCCACGGA, p.Thr201fs (NM_001308013.2); c.4222_4223insGCTTCACCGGCGCAGTCATTCTCATAATCGCCCACGGA, p.Thr1408fs (NM_144612.7); short protein forms T1408fs, T201fs, T297fs.
Identifiers: ClinVar variation 1452720 (VCV001452720.6), dbSNP rs2144267356, ClinGen allele CA2573155284.